The following is an entry in ClinVar:

NM_002241.5(KCNJ10):c.857C>T (p.Thr286Ile)

Gene: KCNJ10 (potassium inwardly rectifying channel subfamily J member 10; minus strand). Cytogenetic location: 1q23.2.
Variant type: single nucleotide variant.
Coding change: c.857C>T on transcript NM_002241.5 (MANE Select); coding-DNA position 857, C replaced by T.
Protein change: p.Thr286Ile; replaces threonine 286 with isoleucine.
Molecular consequence: missense variant.
Genome position (GRCh38, 1-based): chr1:160,041,676, G>A on the plus strand (C>T on the coding strand, the complement: KCNJ10 is on the minus strand). VCF-style: chr1-160041676-G-A. GRCh37 (hg19) VCF-style: chr1-160011466-G-A.
Other names: short protein forms T286I.
Identifiers: ClinVar variation 4076656 (VCV004076656.1).

ClinVar aggregate classification (germline): Uncertain significance (1 of 4 stars; one submission).

Submission:

GeneDx
Classification: Uncertain significance. Last evaluated: 2025-02-21. Review status: criteria provided, single submitter. Criteria: GeneDx Variant Classification Process June 2021. Collection method: clinical testing. Allele origin: germline. Affected: yes.
Comment: Not observed at significant frequency in large population cohorts (gnomAD); In silico analysis indicates that this missense variant does not alter protein structure/function; Has not been previously published as pathogenic or benign to our knowledge